The following is an entry in ClinVar:

ClinVar aggregate classification (germline): Uncertain significance (1 of 4 stars; one submission).

Conditions:
Autosomal dominant hypocalcemia 1 (HYPOC1). Also called: HYPOCALCEMIA, FAMILIAL. Identifiers: MedGen C3715128, MONDO:0011013, OMIM 601198.
Familial hypocalciuric hypercalcemia (FHH). Also called: Familial benign hypercalcemia. Identifiers: Orphanet 405, MedGen C1809471, MONDO:0018458.

Submission:

Labcorp Genetics (formerly Invitae), Labcorp
Classification: Uncertain significance for Familial hypocalciuric hypercalcemia; Autosomal dominant hypocalcemia 1. Last evaluated: 2025-07-07. Review status: criteria provided, single submitter. Criteria: Invitae Variant Classification Sherloc (09022015). Collection method: clinical testing. Allele origin: germline.
Comment: This sequence change replaces tyrosine, which is neutral and polar, with asparagine, which is neutral and polar, at codon 411 of the CASR protein (p.Tyr411Asn). This variant is not present in population databases (gnomAD no frequency). This variant has not been reported in the literature in individuals affected with CASR-related conditions. ClinVar contains an entry for this variant (Variation ID: 2130567). An algorithm developed to predict the effect of missense changes on protein structure and function (PolyPhen-2) suggests that this variant is likely to be disruptive. In summary, the available evidence is currently insufficient to determine the role of this variant in disease. Therefore, it has been classified as a Variant of Uncertain Significance.

NM_000388.4(CASR):c.1231T>A (p.Tyr411Asn)

Gene: CASR (calcium sensing receptor; plus strand). Cytogenetic location: 3q21.1.
Variant type: single nucleotide variant.
Coding change: c.1231T>A on transcript NM_000388.4 (MANE Select); coding-DNA position 1231, T replaced by A.
Protein change: p.Tyr411Asn; replaces tyrosine 411 with asparagine.
Molecular consequence: missense variant.
Genome position (GRCh38, 1-based): chr3:122,262,266, T>A. VCF-style: chr3-122262266-T-A. GRCh37 (hg19) VCF-style: chr3-121981113-T-A.
Other names: c.1231T>A, p.Tyr411Asn (NM_001178065.2); short protein forms Y411N.
Identifiers: ClinVar variation 2130567 (VCV002130567.4), dbSNP rs2473228654, ClinGen allele CA354152873.